The following is an entry in ClinVar:

ClinVar aggregate classification (germline): Pathogenic. Review status: reviewed by expert panel (3 of 4 stars). 4 submissions from 4 submitters: Pathogenic (1). 3 of the submissions do not count toward it. Last evaluated 2017-12-15.

Conditions:
Hereditary breast ovarian cancer syndrome. Also called: Hereditary breast and ovarian cancer; Breast and ovarian cancer; Hereditary breast and/or ovarian cancer syndrome; BRCA1- and BRCA2-Associated Hereditary Breast and Ovarian Cancer; Hereditary breast and ovarian cancer syndrome; Hereditary breast and ovarian cancer syndrome (HBOC). Identifiers: Orphanet 145, MedGen C0677776, MeSH D061325, MONDO:0003582. Disease mechanism: loss of function.
Breast-ovarian cancer, familial, susceptibility to, 2 (BROVCA2). Also called: BRCA2 Hereditary Breast and Ovarian Cancer. Identifiers: Orphanet 145, MedGen C2675520, MONDO:0012933, OMIM 612555. Disease mechanism: loss of function.
Familial cancer of breast. Also called: BREAST CANCER, FAMILIAL; Hereditary breast cancer; hereditary breast carcinoma. Identifiers: Orphanet 227535, MedGen C0346153, MONDO:0016419, OMIM 114480. Disease mechanism: loss of function.

Submissions (4):

Evidence-based Network for the Interpretation of Germline Mutant Alleles (ENIGMA)
Classification: Pathogenic for Breast-ovarian cancer, familial, susceptibility to, 2. Last evaluated: 2017-12-15. Review status: reviewed by expert panel. Criteria: ENIGMA BRCA1/2 Classification Criteria (2017-06-29). Collection method: curation. Allele origin: germline. Study: ENIGMA.
Comment: Variant allele predicted to encode a truncated non-functional protein.

Labcorp Genetics (formerly Invitae), Labcorp
Classification: Pathogenic for Hereditary breast ovarian cancer syndrome. Last evaluated: 2023-05-10. Review status: criteria provided, single submitter. Criteria: Invitae Variant Classification Sherloc (09022015). Collection method: clinical testing. Allele origin: germline. Not counted in ClinVar's aggregate classification.
Comment: For these reasons, this variant has been classified as Pathogenic. ClinVar contains an entry for this variant (Variation ID: 252815). This variant is also known as p.N678fs. This premature translational stop signal has been observed in individual(s) with breast cancer (PMID: 26681682). This variant is not present in population databases (gnomAD no frequency). This sequence change creates a premature translational stop signal (p.Asn679Serfs*7) in the BRCA2 gene. It is expected to result in an absent or disrupted protein product. Loss-of-function variants in BRCA2 are known to be pathogenic (PMID: 20104584).

Baylor Genetics
Classification: Pathogenic for Familial cancer of breast. Last evaluated: 2022-10-25. Review status: criteria provided, single submitter. Criteria: ACMG Guidelines, 2015. Collection method: clinical testing. Allele origin: unknown. Not counted in ClinVar's aggregate classification.

Sharing Clinical Reports Project (SCRP)
Classification: Pathogenic for Breast-ovarian cancer, familial 2. Last evaluated: 2010-08-18. Review status: no assertion criteria provided. Collection method: clinical testing. Allele origin: germline. Not counted in ClinVar's aggregate classification.

Literature cited by the submitters: PubMed 26681682 (cited by Labcorp Genetics (formerly Invitae), Labcorp); PubMed 20104584 (cited by Labcorp Genetics (formerly Invitae), Labcorp).

NM_000059.4(BRCA2):c.2034_2038del (p.Asn679fs)

Gene: BRCA2 (BRCA2 DNA repair associated; plus strand). Cytogenetic location: 13q13.1.
Variant type: Deletion.
Coding change: c.2034_2038del on transcript NM_000059.4 (MANE Select); coding-DNA positions 2034 to 2038, 5 bases deleted (TAATA; older notation c.2034_2038delTAATA).
Protein change: p.Asn679fs; shifts the reading frame from asparagine 679.
Molecular consequence: frameshift variant.
Genome position (GRCh38, 1-based): chr13:32,336,389-32,336,393, TAATA deleted; deleting any 5 consecutive bases within chr13:32,336,388-32,336,393 gives the same sequence; the c. name uses the placement nearest the transcript's 3' end. VCF-style (leftmost placement, unchanged base first): chr13-32336387-AATAAT-A. GRCh37 (hg19) VCF-style: chr13-32910524-AATAAT-A.
Other names: 2262del5; c.2034_2038delTAATA (NM_000059.3); short protein forms N679fs.
Identifiers: ClinVar variation 252815 (VCV000252815.10), dbSNP rs879255440, ClinGen allele CA10586054.